The following is an entry in ClinVar:

ClinVar aggregate classification (germline): Uncertain significance (1 of 4 stars; one submission).

Conditions:
Spinocerebellar ataxia, autosomal recessive, with axonal neuropathy 2 (SCAN2). Also called: Ataxia-ocular apraxia-2; Ataxia with Oculomotor Apraxia; Ataxia with Oculomotor Apraxia Type 2; ATAXIA-OCULOMOTOR APRAXIA 2. Identifiers: Orphanet 64753, MedGen C1853761, MONDO:0018996, OMIM 606002.
Amyotrophic lateral sclerosis type 4 (ALS4). Also called: NEURONOPATHY, DISTAL HEREDITARY MOTOR, WITH PYRAMIDAL FEATURES; AMYOTROPHIC LATERAL SCLEROSIS 4, JUVENILE. Identifiers: Orphanet 357043, MedGen C1865409, MONDO:0011223, OMIM 602433.

Allele frequency attached by ClinVar (database versions not stated): gnomAD exomes below 0.00001.
gnomAD v4.1: 1 of 1,613,552 alleles (0.000062%); highest among the groups gnomAD compares: South Asian, 0.0011%; no homozygotes.

Submission:

Labcorp Genetics (formerly Invitae), Labcorp
Classification: Uncertain significance for Amyotrophic lateral sclerosis type 4; Spinocerebellar ataxia, autosomal recessive, with axonal neuropathy 2. Last evaluated: 2021-12-02. Review status: criteria provided, single submitter. Criteria: Invitae Variant Classification Sherloc (09022015). Collection method: clinical testing. Allele origin: germline.
Comment: This sequence change replaces glycine, which is neutral and non-polar, with aspartic acid, which is acidic and polar, at codon 2397 of the SETX protein (p.Gly2397Asp). This variant is not present in population databases (gnomAD no frequency). This variant has not been reported in the literature in individuals affected with SETX-related conditions. Advanced modeling of protein sequence and biophysical properties (such as structural, functional, and spatial information, amino acid conservation, physicochemical variation, residue mobility, and thermodynamic stability) performed at Invitae indicates that this missense variant is not expected to disrupt SETX protein function. In summary, the available evidence is currently insufficient to determine the role of this variant in disease. Therefore, it has been classified as a Variant of Uncertain Significance.

NM_015046.7(SETX):c.7190G>A (p.Gly2397Asp)

Gene: SETX (senataxin; minus strand). Cytogenetic location: 9q34.13.
Variant type: single nucleotide variant.
Coding change: c.7190G>A on transcript NM_015046.7 (MANE Select); coding-DNA position 7190, G replaced by A.
Protein change: p.Gly2397Asp; replaces glycine 2397 with aspartic acid.
Molecular consequence: missense variant.
Genome position (GRCh38, 1-based): chr9:132,271,719, C>T on the plus strand (G>A on the coding strand, the complement: SETX is on the minus strand). VCF-style: chr9-132271719-C-T. GRCh37 (hg19) VCF-style: chr9-135147106-C-T.
Other names: c.7190G>A, p.Gly2397Asp (NM_001351527.2, NM_001351528.2); short protein forms G2397D.
Identifiers: ClinVar variation 1443507 (VCV001443507.6), dbSNP rs2131148064, ClinGen allele CA375328641.